The following is an entry in ClinVar:

NM_000038.6(APC):c.2214G>T (p.Lys738Asn)

Gene: APC (APC regulator of Wnt signaling pathway; plus strand). Cytogenetic location: 5q22.2.
Variant type: single nucleotide variant.
Coding change: c.2214G>T on transcript NM_000038.6 (MANE Select); coding-DNA position 2214, G replaced by T.
Protein change: p.Lys738Asn; replaces lysine 738 with asparagine.
Molecular consequence: missense variant.
Genome position (GRCh38, 1-based): chr5:112,837,808, G>T. VCF-style: chr5-112837808-G-T. GRCh37 (hg19) VCF-style: chr5-112173505-G-T.
Other names: c.2214G>T, p.Lys738Asn (NM_001127510.3, NM_001354895.2); c.2160G>T, p.Lys720Asn (NM_001127511.3); c.2268G>T, p.Lys756Asn (NM_001354896.2); c.2244G>T, p.Lys748Asn (NM_001354897.2); c.2139G>T, p.Lys713Asn (NM_001354898.2); c.2130G>T, p.Lys710Asn (NM_001354899.2); c.2091G>T, p.Lys697Asn (NM_001354900.2); c.2037G>T, p.Lys679Asn (NM_001354901.2); and 5 more; short protein forms K455N, K637N, K710N, K720N, K738N, K578N, K697N, K748N.
Identifiers: ClinVar variation 923182 (VCV000923182.4), dbSNP rs1490335623, ClinGen allele CA16026184.

ClinVar aggregate classification (germline): Uncertain significance (1 of 4 stars; one submission).

Conditions:
Hereditary cancer-predisposing syndrome. Also called: Neoplastic Syndromes, Hereditary; Tumor predisposition; Hereditary Cancer Syndrome; Hereditary neoplastic syndrome. Identifiers: Orphanet 140162, MedGen C0027672, MeSH D009386, MONDO:0015356.

Submission:

Color Diagnostics, LLC DBA Color Health
Classification: Uncertain significance for Hereditary cancer-predisposing syndrome. Last evaluated: 2024-03-06. Review status: criteria provided, single submitter. Criteria: ACMG Guidelines, 2015. Collection method: clinical testing. Allele origin: germline.
Comment: This missense variant replaces lysine with asparagine at codon 738 of the APC protein. Computational prediction suggests that this variant may not impact protein structure and function (internally defined REVEL score threshold <= 0.5, PMID: 27666373). Splice site prediction tools suggest that this variant may not impact RNA splicing. To our knowledge, functional studies have not been performed for this variant. This variant has not been reported in individuals affected with hereditary cancer in the literature. This variant has not been identified in the general population by the Genome Aggregation Database (gnomAD). The available evidence is insufficient to determine the role of this variant in disease conclusively. Therefore, this variant is classified as a Variant of Uncertain Significance.